The following is an entry in ClinVar:

ClinVar aggregate classification (germline): Uncertain significance (1 of 4 stars; one submission).

Conditions:
Glycine encephalopathy. Also called: Nonketotic hyperglycinemia; Non-ketotic hyperglycinemia. Identifiers: Orphanet 407, MedGen C0751748, MONDO:0011612, HP:0008288.

gnomAD v4.1: 1 of 1,613,902 alleles (0.000062%); highest among the groups gnomAD compares: Non-Finnish European, 0.000085%; no homozygotes.

Submission:

Labcorp Genetics (formerly Invitae), Labcorp
Classification: Uncertain significance for Glycine encephalopathy. Last evaluated: 2024-09-23. Review status: criteria provided, single submitter. Criteria: Invitae Variant Classification Sherloc (09022015). Collection method: clinical testing. Allele origin: germline.
Comment: This sequence change replaces alanine, which is neutral and non-polar, with valine, which is neutral and non-polar, at codon 21 of the AMT protein (p.Ala21Val). This variant is not present in population databases (gnomAD no frequency). This variant has not been reported in the literature in individuals affected with AMT-related conditions. ClinVar contains an entry for this variant (Variation ID: 2087329). Invitae Evidence Modeling of protein sequence and biophysical properties (such as structural, functional, and spatial information, amino acid conservation, physicochemical variation, residue mobility, and thermodynamic stability) indicates that this missense variant is not expected to disrupt AMT protein function with a negative predictive value of 80%. In summary, the available evidence is currently insufficient to determine the role of this variant in disease. Therefore, it has been classified as a Variant of Uncertain Significance.

NM_000481.4(AMT):c.62C>T (p.Ala21Val)

Genes: AMT (aminomethyltransferase; minus strand), NICN1 (nicolin 1, tubulin polyglutamylase complex subunit; minus strand). Cytogenetic location: 3p21.31.
Variant type: single nucleotide variant.
Coding change: c.62C>T on transcript NM_000481.4 (MANE Select); coding-DNA position 62, C replaced by T.
Protein change: p.Ala21Val; replaces alanine 21 with valine.
Molecular consequence: missense variant. On other transcripts: non-coding transcript variant (1), 3 prime UTR variant (1).
Genome position (GRCh38, 1-based): chr3:49,422,389, G>A on the plus strand (C>T on the coding strand, the complement: AMT is on the minus strand). VCF-style: chr3-49422389-G-A. GRCh37 (hg19) VCF-style: chr3-49459822-G-A.
Other names: c.62C>T, p.Ala21Val (NM_001164710.2, NM_001164711.2, NM_001164712.2); c.*2444C>T (NM_032316.3); short protein forms A21V.
Identifiers: ClinVar variation 2087329 (VCV002087329.4), dbSNP rs756101487, ClinGen allele CA352791427.